The following is an entry in ClinVar:

ClinVar aggregate classification (germline): Uncertain significance (1 of 4 stars; one submission).

Conditions:
Psoriasis 2. Identifiers: MedGen C1864497, MONDO:0011269, OMIM 602723.
Pityriasis rubra pilaris (PRP). Also called: Pityriasis rubra pilaris--familial type. Identifiers: Orphanet 2897, MedGen C0032027, MONDO:0100017, OMIM 173200, MONDO:0008251.

Submission:

Labcorp Genetics (formerly Invitae), Labcorp
Classification: Uncertain significance for Pityriasis rubra pilaris; Psoriasis 2. Last evaluated: 2025-02-19. Review status: criteria provided, single submitter. Criteria: Invitae Variant Classification Sherloc (09022015). Collection method: clinical testing. Allele origin: germline.
Comment: This sequence change replaces proline, which is neutral and non-polar, with serine, which is neutral and polar, at codon 36 of the CARD14 protein (p.Pro36Ser). This variant is not present in population databases (gnomAD no frequency). This variant has not been reported in the literature in individuals affected with CARD14-related conditions. Invitae Evidence Modeling of protein sequence and biophysical properties (such as structural, functional, and spatial information, amino acid conservation, physicochemical variation, residue mobility, and thermodynamic stability) has been performed for this missense variant. However, the output from this modeling did not meet the statistical confidence thresholds required to predict the impact of this variant on CARD14 protein function. In summary, the available evidence is currently insufficient to determine the role of this variant in disease. Therefore, it has been classified as a Variant of Uncertain Significance.

NM_001366385.1(CARD14):c.106C>T (p.Pro36Ser)

Gene: CARD14 (caspase recruitment domain family member 14; plus strand). Cytogenetic location: 17q25.3.
Variant type: single nucleotide variant.
Coding change: c.106C>T on transcript NM_001366385.1 (MANE Select); coding-DNA position 106, C replaced by T.
Protein change: p.Pro36Ser; replaces proline 36 with serine.
Molecular consequence: missense variant. On other transcripts: non-coding transcript variant (1).
Genome position (GRCh38, 1-based): chr17:80,181,544, C>T. VCF-style: chr17-80181544-C-T. GRCh37 (hg19) VCF-style: chr17-78155343-C-T.
Other names: c.106C>T, p.Pro36Ser (NM_001257970.1, NM_024110.4); short protein forms P36S.
Identifiers: ClinVar variation 4793272 (VCV004793272.1).